The following is an entry in ClinVar:

ClinVar aggregate classification (germline): Uncertain significance (1 of 4 stars; one submission).

Submission:

Labcorp Genetics (formerly Invitae), Labcorp
Classification: Uncertain significance. Last evaluated: 2021-05-07. Review status: criteria provided, single submitter. Criteria: Invitae Variant Classification Sherloc (09022015). Collection method: clinical testing. Allele origin: germline.
Comment: In summary, the available evidence is currently insufficient to determine the role of this variant in disease. Therefore, it has been classified as a Variant of Uncertain Significance. This sequence change falls in intron 10 of the ABCC6 gene. It does not directly change the encoded amino acid sequence of the ABCC6 protein. It affects a nucleotide within the consensus splice site of the intron. The frequency data for this variant in the population databases is not available, as this variant may be reported as separate entries in the ExAC database. This variant has not been reported in the literature in individuals with ABCC6-related conditions. Nucleotide substitutions within the consensus splice site are a relatively common cause of aberrant splicing (PMID: 17576681, 9536098). Algorithms developed to predict the effect of sequence changes on RNA splicing suggest that this variant may create or strengthen a splice site, but this prediction has not been confirmed by published transcriptional studies.

Literature cited by the submitters: PubMed 17576681; PubMed 9536098.

NM_001171.6(ABCC6):c.1338+6_1338+7delinsTG

Gene: ABCC6 (ATP binding cassette subfamily C member 6; minus strand). Cytogenetic location: 16p13.11.
Variant type: Indel.
Coding change: c.1338+6_1338+7delinsTG on transcript NM_001171.6 (MANE Select); bases 6 to 7 of the intron after coding-DNA position 1338, CC replaced by TG.
Molecular consequence: intron variant.
Genome position (GRCh38, 1-based): chr16:16,198,014-16,198,015, GG replaced by CA on the plus strand (CC replaced by TG on the coding strand, the reverse complement: ABCC6 is on the minus strand). VCF-style: chr16-16198014-GG-CA. GRCh37 (hg19) VCF-style: chr16-16291871-GG-CA.
Other names: c.996+6_996+7delinsTG (NM_001351800.1).
Identifiers: ClinVar variation 1501382 (VCV001501382.5), dbSNP rs2152278176, ClinGen allele CA2573151863.